The following is an entry in ClinVar:

ClinVar aggregate classification (germline): Uncertain significance. Review status: criteria provided, multiple submitters, no conflicts (2 of 4 stars). 3 submissions from 3 submitters: Uncertain significance (2). 1 of the submissions does not count toward it. Last evaluated 2024-12-03.

Conditions:
Neuropathy, hereditary motor and sensory, type 6B (HMSN6B). Also called: HMSN VIB; CHARCOT-MARIE-TOOTH DISEASE, TYPE 6B; NEUROPATHY, HEREDITARY MOTOR AND SENSORY, TYPE VIB, WITH OPTIC ATROPHY; Neuropathy, hereditary motor and sensory, type VIB. Identifiers: MedGen C4225302, MONDO:0014671, OMIM 616505.
SLC25A46-related disorder. Also called: SLC25A46-related condition.

Allele frequency attached by ClinVar (database versions not stated): gnomAD exomes 0.00001; ExAC 0.00002; gnomAD 0.00003 and 0.00004; TOPMed 0.00004.
gnomAD v4.1: 13 of 1,555,470 alleles (0.00084%); highest among the groups gnomAD compares: Non-Finnish European, 0.001%; no homozygotes.

Submissions (3):

Women's Health and Genetics/Laboratory Corporation of America, LabCorp
Classification: Uncertain significance. Last evaluated: 2024-12-03. Review status: criteria provided, single submitter. Criteria: LabCorp Variant Classification Summary - May 2015. Collection method: clinical testing. Allele origin: germline.
Comment: Variant summary: SLC25A46 c.326+6G>A alters a non-conserved nucleotide located close to a canonical splice site and therefore could affect mRNA splicing, leading to a significantly altered protein sequence. Consensus agreement among computation tools predict no significant impact on normal splicing. However, these predictions have yet to be confirmed by functional studies. The variant allele was found at a frequency of 9.2e-06 in 218342 control chromosomes. The available data on variant occurrences in the general population are insufficient to allow any conclusion about variant significance. To our knowledge, no occurrence of c.326+6G>A in individuals affected with Neuropathy, hereditary motor and sensory, type 6B and no experimental evidence demonstrating its impact on protein function have been reported. ClinVar contains an entry for this variant (Variation ID: 1007442). Based on the evidence outlined above, the variant was classified as uncertain significance.

Labcorp Genetics (formerly Invitae), Labcorp
Classification: Uncertain significance for Neuropathy, hereditary motor and sensory, type 6B. Last evaluated: 2022-06-13. Review status: criteria provided, single submitter. Criteria: Invitae Variant Classification Sherloc (09022015). Collection method: clinical testing. Allele origin: germline.
Comment: This sequence change falls in intron 2 of the SLC25A46 gene. It does not directly change the encoded amino acid sequence of the SLC25A46 protein. It affects a nucleotide within the consensus splice site. The frequency data for this variant in the population databases is considered unreliable, as metrics indicate poor data quality at this position in the gnomAD database. This variant has not been reported in the literature in individuals affected with SLC25A46-related conditions. ClinVar contains an entry for this variant (Variation ID: 1007442). Variants that disrupt the consensus splice site are a relatively common cause of aberrant splicing (PMID: 17576681, 9536098). Algorithms developed to predict the effect of sequence changes on RNA splicing suggest that this variant is not likely to affect RNA splicing. In summary, the available evidence is currently insufficient to determine the role of this variant in disease. Therefore, it has been classified as a Variant of Uncertain Significance.

PreventionGenetics, part of Exact Sciences
Classification: Likely benign for SLC25A46-related condition. Last evaluated: 2019-08-26. Review status: no assertion criteria provided. Collection method: clinical testing. Allele origin: germline. Not counted in ClinVar's aggregate classification.
Comment: This variant is classified as likely benign based on ACMG/AMP sequence variant interpretation guidelines (Richards et al. 2015 PMID: 25741868, with internal and published modifications).

Literature cited by the submitters: PubMed 17576681 (cited by Labcorp Genetics (formerly Invitae), Labcorp); PubMed 9536098 (cited by Labcorp Genetics (formerly Invitae), Labcorp).

NM_138773.4(SLC25A46):c.326+6G>A

Gene: SLC25A46 (solute carrier family 25 member 46; plus strand). Cytogenetic location: 5q22.1.
Variant type: single nucleotide variant.
Coding change: c.326+6G>A on transcript NM_138773.4 (MANE Select); 6 bases into the intron after coding-DNA position 326, G replaced by A.
Molecular consequence: intron variant.
Genome position (GRCh38, 1-based): chr5:110,742,095, G>A. VCF-style: chr5-110742095-G-A. GRCh37 (hg19) VCF-style: chr5-110077796-G-A.
Other names: c.53+6G>A (NM_001303250.3); c.326+6G>A (NM_001303249.3, NM_138773.3).
Identifiers: ClinVar variation 1007442 (VCV001007442.9), dbSNP rs1376332022, ClinGen allele CA3364538.